The following is an entry in ClinVar:

ClinVar aggregate classification (germline): Likely pathogenic. Review status: criteria provided, single submitter (1 of 4 stars). 2 submissions from 2 submitters: Likely pathogenic (1). 1 of the submissions does not count toward it. Last evaluated 2019-07-08.

Conditions:
Polymicrogyria with or without vascular-type Ehlers-Danlos syndrome. Identifiers: Orphanet 636941, MedGen C5193040, MONDO:0032688, OMIM 618343.

Submissions (2):

SIB Swiss Institute of Bioinformatics
Classification: Likely pathogenic for Polymicrogyria with or without vascular-type Ehlers-Danlos syndrome. Last evaluated: 2019-07-08. Review status: criteria provided, single submitter. Criteria: ACMG Guidelines, 2015. Collection method: curation. Allele origin: unknown.
Comment: This variant is interpreted as a Likely pathogenic for Polymicrogyria with or without vascular-type Ehlers-Danlos syndrome, autosomal recessive. The following ACMG Tag(s) were applied: PM2, PP3, PP1, PM3.

OMIM
Classification: Pathogenic for POLYMICROGYRIA WITH VASCULAR-TYPE EHLERS-DANLOS SYNDROME. Last evaluated: 2019-03-05. Review status: no assertion criteria provided. Collection method: literature only. Allele origin: germline. Not counted in ClinVar's aggregate classification.

Literature cited by the submitters: PubMed 25205403 (cited by SIB Swiss Institute of Bioinformatics and OMIM).

NM_000090.4(COL3A1):c.3851G>A (p.Gly1284Glu)

Gene: COL3A1 (collagen type III alpha 1 chain; plus strand). Cytogenetic location: 2q32.2.
Variant type: single nucleotide variant.
Coding change: c.3851G>A on transcript NM_000090.4 (MANE Select); coding-DNA position 3851, G replaced by A.
Protein change: p.Gly1284Glu; replaces glycine 1284 with glutamic acid.
Molecular consequence: missense variant.
Genome position (GRCh38, 1-based): chr2:189,010,205, G>A. VCF-style: chr2-189010205-G-A. GRCh37 (hg19) VCF-style: chr2-189874931-G-A.
Other names: G1284E.
Identifiers: ClinVar variation 242647 (VCV000242647.2), dbSNP rs587779528, ClinGen allele CA006735.
Genomic context (GRCh38, chr2:189,010,205, plus strand): 5'-AACCAATTCCCATTCTTTTTTGTGACTATTCAGGAGAATACTGGGTTGACCCTAACCAAG[G>A]ATGCAAATTGGATGCTATCAAGGTATTCTGTAATATGGAAACTGGGGAAACATGCATAAG-3'
Protein context (NP_000081.2, residues 1274-1294): SGEYWVDPNQ[Gly1284Glu]CKLDAIKVFC